The following is an entry in ClinVar:

ClinVar aggregate classification (germline): Uncertain significance (1 of 4 stars; one submission).

Conditions:
Hereditary cancer-predisposing syndrome. Also called: Neoplastic Syndromes, Hereditary; Tumor predisposition; Hereditary Cancer Syndrome; Hereditary neoplastic syndrome. Identifiers: Orphanet 140162, MedGen C0027672, MeSH D009386, MONDO:0015356.

Submission:

Ambry Genetics
Classification: Uncertain significance for Hereditary cancer-predisposing syndrome. Last evaluated: 2014-09-15. Review status: criteria provided, single submitter. Criteria: Ambry Variant Classification Scheme 2023. Collection method: clinical testing. Allele origin: germline.
Comment: The p.S140R variant (also known as c.420T>G or 539T>G), located in coding exon 5 of the BRCA1 gene, results from a T to G substitution at nucleotide position 420. The serine at codon 140 is replaced by arginine, an amino acid with dissimilar properties. This variant was not reported in population based cohorts in the following databases: Database of Single Nucleotide Polymorphisms (dbSNP), NHLBI Exome Sequencing Project (ESP), and 1000 Genomes Project. In the ESP, this variant was not observed in 6503 samples (13006 alleles) with coverage at this position. To date, this alteration has been detected with an allele frequency of approximately 0.002% (greater than 64000 alleles tested) in our clinical cohort. This amino acid position is not well conserved in available vertebrate species. In addition, the in silico prediction for this alteration is inconclusive. Since supporting evidence is limited at this time, the clinical significance of p.S140R remains unclear.

NM_007294.4(BRCA1):c.420T>G (p.Ser140Arg)

Gene: BRCA1 (BRCA1 DNA repair associated; minus strand). Cytogenetic location: 17q21.31.
Variant type: single nucleotide variant.
Coding change: c.420T>G on transcript NM_007294.4 (MANE Select); coding-DNA position 420, T replaced by G.
Protein change: p.Ser140Arg; replaces serine 140 with arginine.
Molecular consequence: missense variant. On other transcripts: non-coding transcript variant (1).
Genome position (GRCh38, 1-based): chr17:43,104,143, A>C on the plus strand (T>G on the coding strand, the complement: BRCA1 is on the minus strand). VCF-style: chr17-43104143-A-C. GRCh37 (hg19) VCF-style: chr17-41256160-A-C.
Other names: c.210T>G, p.Ser70Arg (NM_001407571.1, NM_001408513.1, NM_001408514.1 and 58 more transcripts); c.420T>G, p.Ser140Arg (NM_001407581.1, NM_001407582.1, NM_001407583.1 and 165 more transcripts); c.411T>G, p.Ser137Arg (NM_001407646.1, NM_001407647.1, NM_001408408.1); c.342T>G, p.Ser114Arg (NM_001407653.1, NM_001407654.1, NM_001407655.1 and 21 more transcripts); c.279T>G, p.Ser93Arg (NM_001407692.1, NM_001407694.1, NM_001407695.1 and 99 more transcripts); c.39T>G, p.Ser13Arg (NM_001407959.1, NM_001407960.1, NM_001407962.1 and 4 more transcripts); c.288T>G, p.Ser96Arg (NM_001408451.1); short protein forms S140R, S93R, S96R, S114R, S13R, S70R, S137R.
Identifiers: ClinVar variation 186399 (VCV000186399.6), dbSNP rs730881448, ClinGen allele CA002711.